The following is an entry in ClinVar:

ClinVar aggregate classification (germline): Uncertain significance. Review status: criteria provided, multiple submitters, no conflicts (2 of 4 stars). 2 submissions from 2 submitters: Uncertain significance (2). Last evaluated 2023-01-23.

Conditions:
MHC class I deficiency. Identifiers: Orphanet 34592, MedGen C6024714, MONDO:0011476.

Allele frequency attached by ClinVar (database versions not stated): ESP Exome Variant Server 0.00008.
gnomAD v4.1: 10 of 1,593,398 alleles (0.00063%); highest among the groups gnomAD compares: East Asian, 0.0045%; no homozygotes.

Submissions (2):

Labcorp Genetics (formerly Invitae), Labcorp
Classification: Uncertain significance for MHC class I deficiency 1. Last evaluated: 2023-01-23. Review status: criteria provided, single submitter. Criteria: Invitae Variant Classification Sherloc (09022015). Collection method: clinical testing. Allele origin: germline.
Comment: In summary, the available evidence is currently insufficient to determine the role of this variant in disease. Therefore, it has been classified as a Variant of Uncertain Significance. Variants that disrupt the consensus splice site are a relatively common cause of aberrant splicing (PMID: 17576681, 9536098). Algorithms developed to predict the effect of sequence changes on RNA splicing suggest that this variant may disrupt the consensus splice site. This variant has not been reported in the literature in individuals affected with TAP2-related conditions. The frequency data for this variant in the population databases is considered unreliable, as metrics indicate poor data quality at this position in the gnomAD database. This sequence change affects a donor splice site in intron 11 of the TAP2 gene. While this variant is not anticipated to result in nonsense mediated decay, it likely alters RNA splicing and results in a disrupted protein product.

Blueprint Genetics
Classification: Uncertain significance. Last evaluated: 2021-06-08. Review status: criteria provided, single submitter. Criteria: ACMG Guidelines, 2015. Collection method: clinical testing. Allele origin: germline.

Literature cited by the submitters: PubMed 17576681 (cited by Labcorp Genetics (formerly Invitae), Labcorp); PubMed 9536098 (cited by Labcorp Genetics (formerly Invitae), Labcorp).

NM_001290043.2(TAP2):c.1932+1G>A

Gene: TAP2 (transporter 2, ATP binding cassette subfamily B member; minus strand). Cytogenetic location: 6p21.32.
Variant type: single nucleotide variant.
Coding change: c.1932+1G>A on transcript NM_001290043.2 (MANE Select); the canonical splice donor site of the intron after coding-DNA position 1932, G replaced by A.
Molecular consequence: splice donor variant.
Genome position (GRCh38, 1-based): chr6:32,829,399, C>T on the plus strand (G>A on the coding strand, the complement: TAP2 is on the minus strand). VCF-style: chr6-32829399-C-T. GRCh37 (hg19) VCF-style: chr6-32797176-C-T.
Other names: c.1932+1G>A (NM_018833.3).
Identifiers: ClinVar variation 3020539 (VCV003020539.3), dbSNP rs112198951, ClinGen allele CA3745759.
Genomic context (GRCh38, chr6:32,829,399, plus strand): 5'-CTGATCCTCCCAGCATGCCCCTCCCAGGCCCCACTGTCCCCTGCCCTCTCACGGTACTCA[C>T]GGCCTGCTCGCACTGCACATCTAGGGCACTAGTAGCCTCATCCAGGATGAGGACCCGCGG-3'